The following is an entry in ClinVar:

ClinVar aggregate classification (germline): Uncertain significance (1 of 4 stars; one submission).

Submission:

Labcorp Genetics (formerly Invitae), Labcorp
Classification: Uncertain significance. Last evaluated: 2022-06-27. Review status: criteria provided, single submitter. Criteria: Invitae Variant Classification Sherloc (09022015). Collection method: clinical testing. Allele origin: germline.
Comment: In summary, the available evidence is currently insufficient to determine the role of this variant in disease. Therefore, it has been classified as a Variant of Uncertain Significance. Experimental studies and prediction algorithms are not available or were not evaluated, and the functional significance of this variant is currently unknown. This variant has not been reported in the literature in individuals affected with NR2F1-related conditions. Information on the frequency of this variant in the gnomAD database is not available, as this variant may be reported differently in the database. This sequence change replaces proline, which is neutral and non-polar, with threonine, which is neutral and polar, at codon 166 of the NR2F1 protein (p.Pro166Thr).

NM_005654.6(NR2F1):c.495_496delinsAA (p.Pro166Thr)

Gene: NR2F1 (nuclear receptor subfamily 2 group F member 1; plus strand). Cytogenetic location: 5q15.
Variant type: Indel.
Coding change: c.495_496delinsAA on transcript NM_005654.6 (MANE Select); coding-DNA positions 495 to 496, GC replaced by AA.
Protein change: p.Pro166Thr; replaces proline 166 with threonine.
Molecular consequence: missense variant.
Genome position (GRCh38, 1-based): chr5:93,587,948-93,587,949, GC replaced by AA. VCF-style: chr5-93587948-GC-AA. GRCh37 (hg19) VCF-style: chr5-92923654-GC-AA.
Other names: c.45_46delGCinsAA, p.Pro16Thr (NM_001410754.1); short protein forms P166T, P16T.
Identifiers: ClinVar variation 2011597 (VCV002011597.4), dbSNP rs2480808464, ClinGen allele CA2580073791.